The following is an entry in ClinVar:

NM_014611.3(MDN1):c.15923T>C (p.Val5308Ala)

Genes: MDN1 (midasin AAA ATPase 1; minus strand), MDN1-AS1 (MDN1 antisense RNA 1; plus strand). Cytogenetic location: 6q15.
Variant type: single nucleotide variant.
Coding change: c.15923T>C on transcript NM_014611.3 (MANE Select); coding-DNA position 15923, T replaced by C.
Protein change: p.Val5308Ala; replaces valine 5308 with alanine.
Molecular consequence: missense variant.
Genome position (GRCh38, 1-based): chr6:89,650,840, A>G on the plus strand (T>C on the coding strand, the complement: MDN1 is on the minus strand). VCF-style: chr6-89650840-A-G. GRCh37 (hg19) VCF-style: chr6-90360559-A-G.
Other names: c.15923T>C (NM_014611.1); short protein forms V5308A.
Identifiers: ClinVar variation 3052651 (VCV003052651.3), dbSNP rs140535277, ClinGen allele CA3922098.

ClinVar aggregate classification (germline): Likely benign. Review status: criteria provided, single submitter (1 of 4 stars). 2 submissions from 2 submitters: Likely benign (1). 1 of the submissions does not count toward it. Last evaluated 2021-06-10.

Conditions:
MDN1-related disorder. Also called: MDN1-related condition.

Allele frequency attached by ClinVar (database versions not stated): 1000 Genomes Project 0.00040; 1000 Genomes Project 30x 0.00047; gnomAD 0.00054; TOPMed 0.00059; gnomAD exomes 0.00071; ExAC 0.00101; ESP Exome Variant Server 0.00138.
gnomAD v4.1: 1,160 of 1,613,712 alleles (0.072%); highest among the groups gnomAD compares: Middle Eastern, 0.53%; 2 homozygotes.

Submissions (2):

Ambry Genetics
Classification: Likely benign. Last evaluated: 2021-06-10. Review status: criteria provided, single submitter. Criteria: Ambry Variant Classification Scheme 2023. Collection method: clinical testing. Allele origin: germline.

PreventionGenetics, part of Exact Sciences
Classification: Benign for MDN1-related condition. Last evaluated: 2019-10-28. Review status: no assertion criteria provided. Collection method: clinical testing. Allele origin: germline. Not counted in ClinVar's aggregate classification.
Comment: This variant is classified as benign based on ACMG/AMP sequence variant interpretation guidelines (Richards et al. 2015 PMID: 25741868, with internal and published modifications).